The following is an entry in ClinVar:

NM_001039396.2(MPEG1):c.1498G>A (p.Gly500Ser)

Gene: MPEG1 (macrophage expressed 1; minus strand). Cytogenetic location: 11q12.1.
Variant type: single nucleotide variant.
Coding change: c.1498G>A on transcript NM_001039396.2 (MANE Select); coding-DNA position 1498, G replaced by A.
Protein change: p.Gly500Ser; replaces glycine 500 with serine.
Molecular consequence: missense variant.
Genome position (GRCh38, 1-based): chr11:59,211,368, C>T on the plus strand (G>A on the coding strand, the complement: MPEG1 is on the minus strand). VCF-style: chr11-59211368-C-T. GRCh37 (hg19) VCF-style: chr11-58978841-C-T.
Other names: short protein forms G500S.
Identifiers: ClinVar variation 3905462 (VCV003905462.10).

ClinVar aggregate classification (germline): Likely benign (1 of 4 stars; one submission).

Submission:

CeGaT Center for Human Genetics Tuebingen
Classification: Likely benign. Last evaluated: 2025-06-01. Review status: criteria provided, single submitter. Criteria: CeGaT Center For Human Genetics Tuebingen Variant Classification Criteria Version 2. Collection method: clinical testing. Allele origin: germline. Affected: yes. Observed: 1 variant allele.
Comment: MPEG1: BP4